The following is an entry in ClinVar:

NM_014633.5(CTR9):c.2729G>A (p.Arg910His)

Gene: CTR9 (CTR9 homolog, Paf1/RNA polymerase II complex component; plus strand). Cytogenetic location: 11p15.4.
Variant type: single nucleotide variant.
Coding change: c.2729G>A on transcript NM_014633.5 (MANE Select); coding-DNA position 2729, G replaced by A.
Protein change: p.Arg910His; replaces arginine 910 with histidine.
Molecular consequence: missense variant.
Genome position (GRCh38, 1-based): chr11:10,774,013, G>A. VCF-style: chr11-10774013-G-A. GRCh37 (hg19) VCF-style: chr11-10795560-G-A.
Other names: c.2657G>A, p.Arg886His (NM_001346279.2); short protein forms R886H, R910H.
Identifiers: ClinVar variation 1710948 (VCV001710948.1), dbSNP rs764521025, ClinGen allele CA5885410.

ClinVar aggregate classification (germline): Uncertain significance (1 of 4 stars; one submission).

Conditions:
Predisposition to Wilms tumor.

Allele frequency attached by ClinVar (database versions not stated): ExAC 0.00001; gnomAD 0.00001; TOPMed 0.00002.
gnomAD v4.1: 13 of 1,608,226 alleles (0.00081%); highest among the groups gnomAD compares: East Asian, 0.0045%; no homozygotes.

Submission:

St. Jude Molecular Pathology, St. Jude Children's Research Hospital
Classification: Uncertain significance for Predisposition to Wilms tumor. Last evaluated: 2022-09-27. Review status: criteria provided, single submitter. Criteria: St. Jude Assertion Criteria 2020. Collection method: clinical testing. Allele origin: germline.
Comment: The CTR9 c.2729G>A (p.Arg910His) missense change has a maximum subpopulation frequency of 0.0055% in gnomAD v2.1.1. The in silico tool REVEL predicts a benign effect on protein function, but to our knowledge this prediction has not been confirmed by functional studies. To our knowledge, this variant has not been reported in the literature in individuals with a personal and/or family history of Wilms tumor.  In summary, the evidence currently available is insufficient to determine the clinical significance of this variant. It has therefore been classified as of uncertain significance.